The following is an entry in ClinVar:

ClinVar aggregate classification (germline): Benign/Likely benign. Review status: criteria provided, multiple submitters, no conflicts (2 of 4 stars). 14 submissions from 13 submitters: Benign (3); Likely benign (7). 4 of the submissions do not count toward it. Last evaluated 2026-02-03.

Conditions:
Dyskeratosis congenita, autosomal dominant 3. Identifiers: MedGen C3151445, MONDO:0013522, OMIM 613990.
Dyskeratosis congenita. Identifiers: Orphanet 1775, MedGen C0265965, MONDO:0015780.
TINF2-related disorder. Also called: TINF2-related condition.
Revesz syndrome. Also called: DYSKERATOSIS CONGENITA, AUTOSOMAL DOMINANT 5; EXUDATIVE RETINOPATHY WITH BONE MARROW FAILURE. Identifiers: Orphanet 3088, MedGen C1327916, MONDO:0009990, OMIM 268130.

Allele frequency attached by ClinVar (database versions not stated): gnomAD exomes 0.00155 and 0.00175; gnomAD 0.00161 and 0.00166; ExAC 0.00194; TOPMed 0.00095; ESP Exome Variant Server 0.00122.

Submissions (14):

Dasa
Classification: Likely benign. Last evaluated: 2026-02-03. Review status: criteria provided, single submitter. Criteria: DASA Assertion Criteria. Collection method: clinical testing. Allele origin: germline.
Comment: NM_001099274.3(TINF2):c.74G>C (p.Gly25Ala) is a missense variant that results in the substitution of glycine with alanine. Multiple computational predictions suggest no deleterious effect on the gene or gene product. The variant is present at low frequency in population datasets. Based on the available data, this variant is classified as likely benign.

Labcorp Genetics (formerly Invitae), Labcorp
Classification: Benign for Dyskeratosis congenita. Last evaluated: 2026-01-28. Review status: criteria provided, single submitter. Criteria: Invitae Variant Classification Sherloc (09022015). Collection method: clinical testing. Allele origin: germline.

CeGaT Center for Human Genetics Tuebingen
Classification: Likely benign. Last evaluated: 2025-10-01. Review status: criteria provided, single submitter. Criteria: CeGaT Center For Human Genetics Tuebingen Variant Classification Criteria Version 2. Collection method: clinical testing. Allele origin: germline. Affected: yes. Observed: 3 variant alleles.
Comment: TINF2: BP4, BS1

Center for Genomic Medicine, Rigshospitalet, Copenhagen University Hospital
Classification: Likely benign. Last evaluated: 2025-03-04. Review status: criteria provided, single submitter. Criteria: ACMG Guidelines, 2015. Collection method: clinical testing. Allele origin: germline.

Mayo Clinic Laboratories, Mayo Clinic
Classification: Benign. Last evaluated: 2025-02-14. Review status: criteria provided, single submitter. Criteria: ACMG Guidelines, 2015. Collection method: clinical testing. Allele origin: germline. Observed: 4 variant alleles.
Comment: BS1, BP4_strong

Blueprint Genetics
Classification: Likely benign. Last evaluated: 2024-11-27. Review status: criteria provided, single submitter. Criteria: ACMG Guidelines, 2015. Collection method: clinical testing. Allele origin: germline.

Sema4
Classification: Benign for Dyskeratosis congenita. Last evaluated: 2021-10-14. Review status: criteria provided, single submitter. Criteria: Sema4 Curation Guidelines. Collection method: curation. Allele origin: germline.

GeneDx
Classification: Likely benign. Last evaluated: 2019-03-07. Review status: criteria provided, single submitter. Criteria: GeneDx Variant Classification Process June 2021. Collection method: clinical testing. Allele origin: germline. Affected: yes.

Illumina Laboratory Services, Illumina
Classification: Likely benign for Dyskeratosis congenita, autosomal dominant 3. Last evaluated: 2017-04-27. Review status: criteria provided, single submitter. Criteria: ICSL Variant Classification Criteria 13 December 2019. Collection method: clinical testing. Allele origin: germline.
Comment: This variant was observed as part of a predisposition screen in an ostensibly healthy population. A literature search was performed for the gene, cDNA change, and amino acid change (where applicable). No publications were found based on this search. Allele frequency data from public databases allowed determination this variant is unlikely to cause disease. Therefore, this variant is classified as likely benign.

Illumina Laboratory Services, Illumina
Classification: Likely benign for Revesz syndrome. Last evaluated: 2017-04-27. Review status: criteria provided, single submitter. Criteria: ICSL Variant Classification Criteria 13 December 2019. Collection method: clinical testing. Allele origin: germline.
Comment: the same text as in the submission from Illumina Laboratory Services, Illumina above.

PreventionGenetics, part of Exact Sciences
Classification: Likely benign for TINF2-related condition. Last evaluated: 2019-05-09. Review status: no assertion criteria provided. Collection method: clinical testing. Allele origin: germline. Not counted in ClinVar's aggregate classification.
Comment: This variant is classified as likely benign based on ACMG/AMP sequence variant interpretation guidelines (Richards et al. 2015 PMID: 25741868, with internal and published modifications).

Clinical Genetics DNA and cytogenetics Diagnostics Lab, Erasmus MC, Erasmus Medical Center
Classification: Likely benign. Review status: no assertion criteria provided. Collection method: clinical testing. Allele origin: germline. Affected: yes. Study: VKGL Data-share Consensus. Not counted in ClinVar's aggregate classification.

Diagnostic Laboratory, Department of Genetics, University Medical Center Groningen
Classification: Benign. Review status: no assertion criteria provided. Collection method: clinical testing. Allele origin: germline. Affected: yes. Study: VKGL Data-share Consensus. Not counted in ClinVar's aggregate classification.

Joint Genome Diagnostic Labs from Nijmegen and Maastricht, Radboudumc and MUMC+
Classification: Likely benign. Review status: no assertion criteria provided. Collection method: clinical testing. Allele origin: germline. Affected: yes. Study: VKGL Data-share Consensus. Not counted in ClinVar's aggregate classification.

NM_001099274.3(TINF2):c.74G>C (p.Gly25Ala)

Genes: TINF2 (TERF1 interacting nuclear factor 2; minus strand), LOC130055403 (ATAC-STARR-seq lymphoblastoid active region 8199; plus strand). Cytogenetic location: 14q12.
Variant type: single nucleotide variant.
Coding change: c.74G>C on transcript NM_001099274.3 (MANE Select); coding-DNA position 74, G replaced by C.
Protein change: p.Gly25Ala; replaces glycine 25 with alanine.
Molecular consequence: missense variant.
Genome position (GRCh38, 1-based): chr14:24,242,259, C>G on the plus strand (G>C on the coding strand, the complement: TINF2 is on the minus strand). VCF-style: chr14-24242259-C-G. GRCh37 (hg19) VCF-style: chr14-24711465-C-G.
Other names: p.Gly25Ala; c.74G>C, p.Gly25Ala (NM_001363668.2, NM_012461.3); short protein forms G25A.
Identifiers: ClinVar variation 312956 (VCV000312956.55), dbSNP rs202093758, ClinGen allele CA7130760.